The following is an entry in ClinVar:

NM_000059.4(BRCA2):c.5634C>G (p.Asn1878Lys)

Gene: BRCA2 (BRCA2 DNA repair associated; plus strand). Cytogenetic location: 13q13.1.
Variant type: single nucleotide variant.
Coding change: c.5634C>G on transcript NM_000059.4 (MANE Select); coding-DNA position 5634, C replaced by G.
Protein change: p.Asn1878Lys; replaces asparagine 1878 with lysine.
Molecular consequence: missense variant.
Genome position (GRCh38, 1-based): chr13:32,339,989, C>G. VCF-style: chr13-32339989-C-G. GRCh37 (hg19) VCF-style: chr13-32914126-C-G.
Other names: p.N1878K:AAC>AAG; 5862C>G; short protein forms N1878K.
Identifiers: ClinVar variation 37983 (VCV000037983.66), dbSNP rs80358784, ClinGen allele CA022767.

ClinVar aggregate classification (germline): Benign. Review status: reviewed by expert panel (3 of 4 stars). 17 submissions from 17 submitters: Benign (1). 16 of the submissions do not count toward it. Last evaluated 2019-06-18.

Conditions:
BRCA2-related disorder. Also called: BRCA2-related condition; BRCA2-related disorders. Identifiers: MedGen CN239275.
Breast and/or ovarian cancer. Identifiers: MedGen CN221562.
Hereditary cancer-predisposing syndrome. Also called: Neoplastic Syndromes, Hereditary; Tumor predisposition; Hereditary Cancer Syndrome; Hereditary neoplastic syndrome. Identifiers: Orphanet 140162, MedGen C0027672, MeSH D009386, MONDO:0015356.
Hereditary breast ovarian cancer syndrome. Also called: Hereditary breast and ovarian cancer; Breast and ovarian cancer; Hereditary breast and/or ovarian cancer syndrome; Hereditary breast and ovarian cancer syndrome (HBOC); Hereditary breast and ovarian cancer syndrome; BRCA1- and BRCA2-Associated Hereditary Breast and Ovarian Cancer. Identifiers: Orphanet 145, MedGen C0677776, MeSH D061325, MONDO:0003582. Disease mechanism: loss of function.
Breast-ovarian cancer, familial, susceptibility to, 2 (BROVCA2). Also called: BRCA2 Hereditary Breast and Ovarian Cancer. Identifiers: Orphanet 145, MedGen C2675520, MONDO:0012933, OMIM 612555. Disease mechanism: loss of function.
Malignant tumor of breast. Also called: Malignant breast neoplasm; Cancer breast. Identifiers: MedGen C0006142, MONDO:0007254. Disease mechanism: loss of function.

Allele frequency attached by ClinVar (database versions not stated): TOPMed 0.00002; gnomAD 0.00003.
gnomAD v4.1: 79 of 1,611,648 alleles (0.0049%); highest among the groups gnomAD compares: Middle Eastern, 0.016%; no homozygotes.

Submissions 1 to 16 of 17:

Evidence-based Network for the Interpretation of Germline Mutant Alleles (ENIGMA)
Classification: Benign for Breast-ovarian cancer, familial, susceptibility to, 2. Last evaluated: 2019-06-18. Review status: reviewed by expert panel. Criteria: ENIGMA BRCA1/2 Classification Criteria (2017-06-29). Collection method: curation. Allele origin: germline.
Comment: IARC class based on posterior probability from multifactorial likelihood analysis, thresholds for class as per Plon et al. 2008 (PMID: 18951446). Class 1 based on posterior probability = 0.000455

Women's Health and Genetics/Laboratory Corporation of America, LabCorp
Classification: Likely benign. Last evaluated: 2026-05-22. Review status: criteria provided, single submitter. Criteria: LabCorp Variant Classification Summary - May 2015. Collection method: clinical testing. Allele origin: germline. Not counted in ClinVar's aggregate classification.
Comment: Variant summary: BRCA2 c.5634C>G (p.Asn1878Lys) results in a non-conservative amino acid change in the encoded protein sequence. Algorithms developed to predict the effect of missense changes on protein structure and function are either unavailable or do not agree on the potential impact of this missense change. The variant allele was found at a frequency of 1.6e-05 in 248658 control chromosomes. The available data on variant occurrences in the general population are insufficient to allow any conclusion about variant significance. c.5634C>G has been observed in individuals affected with Hereditary Breast and Ovarian Cancer Syndrome and related tumor phenotypes without strong evidence of causality (Borg 2010, Balia 2011, Lu 2012, Wong-Brown 2015, Dudley_2018, Caputo_2021, Bhai_2021). These reports do not provide unequivocal conclusions about association of the variant with Hereditary Breast and Ovarian Cancer Syndrome. Two functional studies from the same group utilizing homologous recombination assays to evaluate an impact on protein function, provided conflicting results about the variant (Spugnesi_2013, Balia_2011). However, a recent multifactorial likelihood analysis predicted this variant to be Benign (Parsons_2019). The following publications have been ascertained in the context of this evaluation (PMID: 21671020, 34326862, 20104584, 21520273, 34597585, 29360161, 24323938, 22476429, 26317927, 25225064, 31131967, 18824701, 23328489, 25782689, 25682074). ClinVar contains an entry for this variant (Variation ID: 37983). Based on the evidence outlined above, the variant was classified as likely benign.

Labcorp Genetics (formerly Invitae), Labcorp
Classification: Likely benign for Hereditary breast ovarian cancer syndrome. Last evaluated: 2025-12-30. Review status: criteria provided, single submitter. Criteria: Invitae Variant Classification Sherloc (09022015). Collection method: clinical testing. Allele origin: germline. Not counted in ClinVar's aggregate classification.

Blueprint Genetics
Classification: Likely benign. Last evaluated: 2024-07-17. Review status: criteria provided, single submitter. Criteria: ACMG Guidelines, 2015. Collection method: clinical testing. Allele origin: germline. Not counted in ClinVar's aggregate classification.

Quest Diagnostics Nichols Institute San Juan Capistrano
Classification: Likely benign. Last evaluated: 2022-12-08. Review status: criteria provided, single submitter. Criteria: Quest Diagnostics criteria. Collection method: clinical testing. Allele origin: unknown. Not counted in ClinVar's aggregate classification.

CeGaT Center for Human Genetics Tuebingen
Classification: Likely benign. Last evaluated: 2022-04-01. Review status: criteria provided, single submitter. Criteria: CeGaT Center For Human Genetics Tuebingen Variant Classification Criteria Version 2. Collection method: clinical testing. Allele origin: germline. Affected: yes. Observed: 1 variant allele. Not counted in ClinVar's aggregate classification.
Comment: BRCA2: BP1, BP4, BS2

Sema4
Classification: Uncertain significance for Hereditary cancer-predisposing syndrome. Last evaluated: 2021-09-08. Review status: criteria provided, single submitter. Criteria: Sema4 Curation Guidelines. Collection method: curation. Allele origin: germline. Not counted in ClinVar's aggregate classification.
Comment: The BRCA2 c.5634C>G (p.N1878K) variant has been reported in heterozygosity in multiple individuals with breast, ovarian, and pancreatic cancers (PMID: 20104584, 22476429, 25682074, 26317927, 29360161, 32438681, 33471991). Functional studies of homologous recombination have shown mixed results (PMID: 21671020, 23328489). However, tumors found in patients with this variant do not demonstrate loss of heterozygosity as expected for a pathogenic variant (PMID: 21671020, 18824701, 26317927). BRCA2-deficient cells transfected with this variant and exposed to PARP inhibitors show survival consistent with wild type cells (PMID: 32444794). In silico predictions of the variant's effect on protein function are inconclusive. A recent multifactorial likelihood analysis predicted this variant to be benign (PMID: 31131967). It was observed in 5/128138 chromosomes of the Non-Finnish European subpopulation in the large and broad cohorts of the Genome Aggregation Database (PMID: 32461654). The variant has been reported in ClinVar (Variation ID 37983). Taken together, this variant is classified as uncertain clinical signficance, until additional segregation, case-control and/or functional studies become available.

Mendelics
Classification: Likely benign for Breast-ovarian cancer, familial, susceptibility to, 2. Last evaluated: 2019-05-28. Review status: criteria provided, single submitter. Criteria: Mendelics Assertion Criteria 2017. Collection method: clinical testing. Allele origin: unknown. Not counted in ClinVar's aggregate classification.

Ambry Genetics
Classification: Likely benign for Hereditary cancer-predisposing syndrome. Last evaluated: 2018-08-24. Review status: criteria provided, single submitter. Criteria: Ambry Variant Classification Scheme 2023. Collection method: clinical testing. Allele origin: germline. Not counted in ClinVar's aggregate classification.

GeneDx
Classification: Likely benign. Last evaluated: 2017-02-10. Review status: criteria provided, single submitter. Criteria: GeneDx Variant Classification (06012015). Collection method: clinical testing. Allele origin: germline. Affected: yes. Not counted in ClinVar's aggregate classification.
Comment: This variant is considered likely benign or benign based on one or more of the following criteria: it is a conservative change, it occurs at a poorly conserved position in the protein, it is predicted to be benign by multiple in silico algorithms, and/or has population frequency not consistent with disease.

Color Diagnostics, LLC DBA Color Health
Classification: Likely benign for Hereditary cancer-predisposing syndrome. Last evaluated: 2015-11-24. Review status: criteria provided, single submitter. Criteria: ACMG Guidelines, 2015. Collection method: clinical testing. Allele origin: germline. Not counted in ClinVar's aggregate classification.

PreventionGenetics, part of Exact Sciences
Classification: Likely benign for BRCA2-related condition. Last evaluated: 2023-08-31. Review status: no assertion criteria provided. Collection method: clinical testing. Allele origin: germline. Not counted in ClinVar's aggregate classification.
Comment: This variant is classified as likely benign based on ACMG/AMP sequence variant interpretation guidelines (Richards et al. 2015 PMID: 25741868, with internal and published modifications).

Counsyl
Classification: Uncertain significance for Breast-ovarian cancer, familial, susceptibility to, 2. Last evaluated: 2016-06-14. Review status: no assertion criteria provided. Collection method: clinical testing. Allele origin: unknown. Not counted in ClinVar's aggregate classification.

Foulkes Cancer Genetics LDI, Lady Davis Institute for Medical Research
Classification: Uncertain significance for Breast and/or ovarian cancer. Last evaluated: 2013-07-19. Review status: no assertion criteria provided. Collection method: clinical testing. Allele origin: germline. Study: The Canadian Open Genetics Repository (COGR). Not counted in ClinVar's aggregate classification.

Sharing Clinical Reports Project (SCRP)
Classification: Likely benign for Breast-ovarian cancer, familial 2. Last evaluated: 2012-05-01. Review status: no assertion criteria provided. Collection method: clinical testing. Allele origin: germline. Not counted in ClinVar's aggregate classification.

Breast Cancer Information Core (BIC) (BRCA2)
Classification: Uncertain significance for Breast-ovarian cancer, familial 2. Last evaluated: 2004-02-20. Review status: no assertion criteria provided. Collection method: clinical testing. Allele origin: germline. Affected: yes. Observed: 7 variant alleles. Not counted in ClinVar's aggregate classification.